The following is an entry in ClinVar:

ClinVar aggregate classification (germline): Uncertain significance (1 of 4 stars; one submission).

Allele frequency attached by ClinVar (database versions not stated): gnomAD exomes below 0.00001.
gnomAD v4.1: 3 of 1,612,960 alleles (0.00019%); highest among the groups gnomAD compares: Non-Finnish European, 0.00025%; no homozygotes.

Submission:

Labcorp Genetics (formerly Invitae), Labcorp
Classification: Uncertain significance. Last evaluated: 2023-07-29. Review status: criteria provided, single submitter. Criteria: Invitae Variant Classification Sherloc (09022015). Collection method: clinical testing. Allele origin: germline.
Comment: In summary, the available evidence is currently insufficient to determine the role of this variant in disease. Therefore, it has been classified as a Variant of Uncertain Significance. Advanced modeling of protein sequence and biophysical properties (such as structural, functional, and spatial information, amino acid conservation, physicochemical variation, residue mobility, and thermodynamic stability) performed at Invitae indicates that this missense variant is not expected to disrupt TONSL protein function. This variant has not been reported in the literature in individuals affected with TONSL-related conditions. This variant is not present in population databases (gnomAD no frequency). This sequence change replaces glutamine, which is neutral and polar, with arginine, which is basic and polar, at codon 308 of the TONSL protein (p.Gln308Arg).

NM_013432.5(TONSL):c.923A>G (p.Gln308Arg)

Gene: TONSL (tonsoku like, DNA repair protein; minus strand). Cytogenetic location: 8q24.3.
Variant type: single nucleotide variant.
Coding change: c.923A>G on transcript NM_013432.5 (MANE Select); coding-DNA position 923, A replaced by G.
Protein change: p.Gln308Arg; replaces glutamine 308 with arginine.
Molecular consequence: missense variant.
Genome position (GRCh38, 1-based): chr8:144,441,054, T>C on the plus strand (A>G on the coding strand, the complement: TONSL is on the minus strand). VCF-style: chr8-144441054-T-C. GRCh37 (hg19) VCF-style: chr8-145666437-T-C.
Other names: short protein forms Q308R.
Identifiers: ClinVar variation 2860702 (VCV002860702.1), dbSNP rs2537503374, ClinGen allele CA372674011.